The following is an entry in ClinVar:

NM_000617.3(SLC11A2):c.*358A>G

Gene: SLC11A2 (solute carrier family 11 member 2; minus strand). Cytogenetic location: 12q13.12.
Variant type: single nucleotide variant.
Coding change: c.*358A>G on transcript NM_000617.3 (MANE Select); 358 bases downstream of the stop codon, A replaced by G.
Molecular consequence: 3 prime UTR variant. On other transcripts: non-coding transcript variant (4), intron variant (8).
Genome position (GRCh38, 1-based): chr12:50,987,967, T>C on the plus strand (A>G on the coding strand, the complement: SLC11A2 is on the minus strand). VCF-style: chr12-50987967-T-C. GRCh37 (hg19) VCF-style: chr12-51381750-T-C.
Other names: c.*358A>G (NM_001174125.2, NM_001174128.2, NM_001174129.2 and 6 more transcripts); c.1716+415A>G (NM_001379446.1); c.1518+415A>G (NM_001414747.1); c.1629+415A>G (NM_001174127.2, NM_001174126.2, NM_001379447.2); c.*25+333A>G (NM_001414744.1, NM_001414746.1); c.1617+415A>G (NM_001379448.1).
Identifiers: ClinVar variation 309300 (VCV000309300.6), dbSNP rs2285230, ClinGen allele CA6566397.

ClinVar aggregate classification (germline): Benign. Review status: criteria provided, multiple submitters, no conflicts (2 of 4 stars). 2 submissions from 2 submitters: Benign (2). Last evaluated 2018-01-12.

Conditions:
Microcytic anemia with liver iron overload. Also called: Anemia, hypochromic microcytic, with iron overload 1. Identifiers: Orphanet 83642, MedGen C3806153, MONDO:0008787, OMIM 206100.

Allele frequency attached by ClinVar (database versions not stated): ExAC 0.24893; gnomAD 0.14298 and 0.14673; gnomAD exomes 0.17421 and 0.19240; 1000 Genomes Project 30x 0.13413; TOPMed 0.13730; 1000 Genomes Project 0.13798.
gnomAD v4.1: 242,206 of 1,294,320 alleles (19%); highest among the groups gnomAD compares: South Asian, 28%; 23,821 homozygotes.

Submissions (2):

Illumina Laboratory Services, Illumina
Classification: Benign for Microcytic anemia with liver iron overload. Last evaluated: 2018-01-12. Review status: criteria provided, single submitter. Criteria: ICSL Variant Classification Criteria 13 December 2019. Collection method: clinical testing. Allele origin: germline.
Comment: This variant was observed in the ICSL laboratory as part of a predisposition screen in an ostensibly healthy population. It had not been previously curated by ICSL or reported in the Human Gene Mutation Database (HGMD: prior to June 1st, 2018), and was therefore a candidate for classification through an automated scoring system. Utilizing variant allele frequency, disease prevalence and penetrance estimates, and inheritance mode, an automated score was calculated to assess if this variant is too frequent to cause the disease. Based on the score and internal cut-off values, a variant classified as benign is not then subjected to further curation. The score for this variant resulted in a classification of benign for this disease.

Breakthrough Genomics
Classification: Benign. Review status: criteria provided, single submitter. Criteria: ACMG Guidelines, 2015. Collection method: not provided. Allele origin: germline. Inheritance: Autosomal recessive inheritance. Affected: yes.